The following is an entry in ClinVar:

NM_138386.3(NAF1):c.28C>T (p.Gln10Ter)

Gene: NAF1 (nuclear assembly factor 1 ribonucleoprotein; minus strand). Cytogenetic location: 4q32.2.
Variant type: single nucleotide variant.
Coding change: c.28C>T on transcript NM_138386.3 (MANE Select); coding-DNA position 28, C replaced by T.
Protein change: p.Gln10Ter; replaces glutamine 10 with a stop codon.
Molecular consequence: nonsense.
Genome position (GRCh38, 1-based): chr4:163,166,700, G>A on the plus strand (C>T on the coding strand, the complement: NAF1 is on the minus strand). VCF-style: chr4-163166700-G-A. GRCh37 (hg19) VCF-style: chr4-164087852-G-A.
Other names: c.28C>T, p.Gln10Ter (NM_001128931.2); short protein forms Q10*.
Identifiers: ClinVar variation 4735058 (VCV004735058.1).
Genomic context (GRCh38, chr4:163,166,700, plus strand): 5'-GAGCCGCCGGACCTTCCCCAACTCCAAAGTCGGTGCCATTGAATTTCAGAGTTTCCAGCT[G>A]AGCGGCGGCGGCCTCCACTACCTCCATCGCACCGCGCCAGAAACCGGGTCGGCCTCAGGA-3'

ClinVar aggregate classification (germline): Uncertain significance (1 of 4 stars; one submission).

Submission:

Labcorp Genetics (formerly Invitae), Labcorp
Classification: Uncertain significance. Last evaluated: 2026-01-18. Review status: criteria provided, single submitter. Criteria: Invitae Variant Classification Sherloc (09022015). Collection method: clinical testing. Allele origin: germline.
Comment: This sequence change creates a premature translational stop signal (p.Gln10*) in the NAF1 gene. It is expected to result in an absent or disrupted protein product. However, the current clinical and genetic evidence is not sufficient to establish whether loss-of-function variants in NAF1 cause disease. This variant is not present in population databases (gnomAD no frequency). This variant has not been reported in the literature in individuals affected with NAF1-related conditions. In summary, the available evidence is currently insufficient to determine the role of this variant in disease. Therefore, it has been classified as a Variant of Uncertain Significance.